The following is an entry in ClinVar:

ClinVar aggregate classification (germline): Uncertain significance. Review status: criteria provided, multiple submitters, no conflicts (2 of 4 stars). 3 submissions from 3 submitters: Uncertain significance (2). 1 of the submissions does not count toward it. Last evaluated 2024-11-13.

Conditions:
MHC class II deficiency. Also called: BLS, TYPE II; Bare lymphocyte syndrome 2. Identifiers: Orphanet 572, MedGen C5447452, MONDO:0008855.
Inborn genetic diseases. Identifiers: MedGen C0950123, MeSH D030342.

Allele frequency attached by ClinVar (database versions not stated): gnomAD exomes below 0.00001; gnomAD 0.00001.
gnomAD v4.1: 9 of 1,614,108 alleles (0.00056%); highest among the groups gnomAD compares: Middle Eastern, 0.016%; no homozygotes.

Submissions (3):

Ambry Genetics
Classification: Uncertain significance for Inborn genetic diseases. Last evaluated: 2024-11-13. Review status: criteria provided, single submitter. Criteria: Ambry Variant Classification Scheme 2023. Collection method: clinical testing. Allele origin: germline.

Labcorp Genetics (formerly Invitae), Labcorp
Classification: Uncertain significance for MHC class II deficiency. Last evaluated: 2022-11-01. Review status: criteria provided, single submitter. Criteria: Invitae Variant Classification Sherloc (09022015). Collection method: clinical testing. Allele origin: germline.
Comment: This sequence change replaces proline, which is neutral and non-polar, with alanine, which is neutral and non-polar, at codon 237 of the CIITA protein (p.Pro237Ala). This variant is not present in population databases (gnomAD no frequency). This variant has not been reported in the literature in individuals affected with CIITA-related conditions. ClinVar contains an entry for this variant (Variation ID: 1042220). Algorithms developed to predict the effect of missense changes on protein structure and function are either unavailable or do not agree on the potential impact of this missense change (SIFT: "Tolerated"; PolyPhen-2: "Possibly Damaging"; Align-GVGD: "Class C0"). In summary, the available evidence is currently insufficient to determine the role of this variant in disease. Therefore, it has been classified as a Variant of Uncertain Significance.

Natera, Inc.
Classification: Uncertain significance for Bare lymphocyte syndrome type II. Last evaluated: 2021-01-12. Review status: no assertion criteria provided. Collection method: clinical testing. Allele origin: germline. Not counted in ClinVar's aggregate classification.

NM_000246.4(CIITA):c.709C>G (p.Pro237Ala)

Gene: CIITA (class II major histocompatibility complex transactivator; plus strand). Cytogenetic location: 16p13.13.
Variant type: single nucleotide variant.
Coding change: c.709C>G on transcript NM_000246.4 (MANE Select); coding-DNA position 709, C replaced by G.
Protein change: p.Pro237Ala; replaces proline 237 with alanine.
Molecular consequence: missense variant. On other transcripts: non-coding transcript variant (1).
Genome position (GRCh38, 1-based): chr16:10,902,738, C>G. VCF-style: chr16-10902738-C-G. GRCh37 (hg19) VCF-style: chr16-10996595-C-G.
Other names: c.709C>G (NM_000246.3); c.712C>G, p.Pro238Ala (NM_001286402.1, NM_001379332.1); c.562C>G, p.Pro188Ala (NM_001286403.2, NM_001379331.1); c.565C>G, p.Pro189Ala (NM_001379330.1); c.709C>G, p.Pro237Ala (NM_001379333.1); c.640C>G, p.Pro214Ala (NM_001379334.1); short protein forms P214A, P238A, P237A, P188A, P189A.
Identifiers: ClinVar variation 1042220 (VCV001042220.9), dbSNP rs2038871532, ClinGen allele CA394728705.